The following is an entry in ClinVar:

NM_000747.3(CHRNB1):c.354C>T (p.Asn118=)

Gene: CHRNB1 (cholinergic receptor nicotinic beta 1 subunit; plus strand). Cytogenetic location: 17p13.1.
Variant type: single nucleotide variant.
Coding change: c.354C>T on transcript NM_000747.3 (MANE Select); coding-DNA position 354, C replaced by T.
Protein change: p.Asn118=; no amino-acid change (asparagine 118 retained).
Molecular consequence: synonymous variant.
Genome position (GRCh38, 1-based): chr17:7,447,043, C>T. VCF-style: chr17-7447043-C-T. GRCh37 (hg19) VCF-style: chr17-7350362-C-T.
Identifiers: ClinVar variation 2112638 (VCV002112638.4), dbSNP rs2507854138, ClinGen allele CA497743517.
Genomic context (GRCh38, chr17:7,447,043, plus strand): 5'-CGGGGGGCGGGGGGCCTCCGGGCGCGGGGCCTGATCCCTGATGAGATCCCTTCTCTGCAG[C>T]AATGATGGGAATTTTGACGTGGCTCTGGACATTAGCGTCGTGGTGTCCTCCGACGGCTCC-3'
Protein context (NP_000738.2, residues 108-128): VWLPDVVLLN[Asn118=]NDGNFDVALD

ClinVar aggregate classification (germline): Uncertain significance (1 of 4 stars; one submission).

Conditions:
Congenital myasthenic syndrome 2A. Also called: Myasthenic syndrome, congenital, 2a, slow-channel. Identifiers: Orphanet 590, MedGen C4225374, MONDO:0014581, OMIM 616313.

Allele frequency attached by ClinVar (database versions not stated): gnomAD exomes below 0.00001.
gnomAD v4.1: 1 of 1,614,072 alleles (0.000062%); highest among the groups gnomAD compares: African/African-American, 0.0013%; no homozygotes.

Submission:

Labcorp Genetics (formerly Invitae), Labcorp
Classification: Uncertain significance for Congenital myasthenic syndrome 2A. Last evaluated: 2022-03-15. Review status: criteria provided, single submitter. Criteria: Invitae Variant Classification Sherloc (09022015). Collection method: clinical testing. Allele origin: germline.
Comment: This variant has not been reported in the literature in individuals affected with CHRNB1-related conditions. This variant is not present in population databases (gnomAD no frequency). This sequence change affects codon 118 of the CHRNB1 mRNA. It is a 'silent' change, meaning that it does not change the encoded amino acid sequence of the CHRNB1 protein. It affects a nucleotide within the consensus splice site. Algorithms developed to predict the effect of sequence changes on RNA splicing suggest that this variant is not likely to affect RNA splicing. In summary, the available evidence is currently insufficient to determine the role of this variant in disease. Therefore, it has been classified as a Variant of Uncertain Significance.